The following is an entry in ClinVar:

NM_017433.5(MYO3A):c.991C>T (p.Arg331Ter)

Gene: MYO3A (myosin IIIA; plus strand). Cytogenetic location: 10p12.1.
Variant type: single nucleotide variant.
Coding change: c.991C>T on transcript NM_017433.5 (MANE Select); coding-DNA position 991, C replaced by T.
Protein change: p.Arg331Ter; replaces arginine 331 with a stop codon.
Molecular consequence: nonsense.
Genome position (GRCh38, 1-based): chr10:26,067,012, C>T. VCF-style: chr10-26067012-C-T. GRCh37 (hg19) VCF-style: chr10-26355941-C-T.
Other names: short protein forms R331*.
Identifiers: ClinVar variation 631632 (VCV000631632.7), dbSNP rs749269594, ClinGen allele CA5444521.

ClinVar aggregate classification (germline): Conflicting classifications of pathogenicity. Review status: criteria provided, conflicting classifications (1 of 4 stars). 2 submissions from 2 submitters: Pathogenic (1); Uncertain significance (1). Last evaluated 2019-12-04.

Conditions:
Autosomal recessive nonsyndromic hearing loss 30. Identifiers: Orphanet 90636, MedGen C1846784, MONDO:0011774, OMIM 607101.

Allele frequency attached by ClinVar (database versions not stated): ExAC 0.00002; gnomAD 0.00003 and 0.00004; gnomAD exomes 0.00003; TOPMed 0.00004.
gnomAD v4.1: 90 of 1,612,762 alleles (0.0056%); highest among the groups gnomAD compares: Non-Finnish European, 0.007%; no homozygotes.

Submissions (2):

GeneDx
Classification: Uncertain significance. Last evaluated: 2019-12-04. Review status: criteria provided, single submitter. Criteria: GeneDx Variant Classification Process June 2021. Collection method: clinical testing. Allele origin: germline. Affected: yes.
Comment: Observed in a patient with hearing loss in published literature, however, additional information was not available (Sommen et al., 2016); Nonsense variant predicted to result in protein truncation or nonsense mediated decay in a gene for which loss-of-function is a known mechanism of disease; This variant is associated with the following publications: (PMID: 27068579)

Juno Genomics, Hangzhou Juno Genomics, Inc
Classification: Pathogenic for Autosomal recessive nonsyndromic hearing loss 30. Review status: criteria provided, single submitter. Criteria: ACMG Guidelines, 2015. Collection method: clinical testing. Allele origin: germline.
Comment: Absent from controls (or at extremely low frequency if recessive) in Genome Aggregation Database.;Null variant in a gene where loss of function (LOF) is a known mechanism of disease.;For recessive disorders, detected in trans with a pathogenic variant.